The following is an entry in ClinVar:

ClinVar aggregate classification (germline): Uncertain significance (1 of 4 stars; one submission).

Submission:

GeneDx
Classification: Uncertain significance. Last evaluated: 2022-09-07. Review status: criteria provided, single submitter. Criteria: GeneDx Variant Classification Process June 2021. Collection method: clinical testing. Allele origin: germline. Affected: yes.
Comment: Frameshift variant predicted to result in protein truncation or nonsense-mediated decay in a gene or region of a gene for which loss of function is not a well-established mechanism of disease; Not observed at significant frequency in large population cohorts (gnomAD); Has not been previously published as pathogenic or benign to our knowledge

NM_173354.5(SIK1):c.405_421dup (p.His141fs)

Gene: SIK1 (salt inducible kinase 1; minus strand). Cytogenetic location: 21q22.3.
Variant type: Duplication.
Coding change: c.405_421dup on transcript NM_173354.5 (MANE Select); coding-DNA positions 405 to 421, 17 bases duplicated (GGCCGTGGAGTACTGTC).
Protein change: p.His141fs; shifts the reading frame from histidine 141.
Molecular consequence: frameshift variant.
Genome position (GRCh38, 1-based): chr21:43,421,716-43,421,732, GACAGTACTCCACGGCC duplicated on the plus strand (GGCCGTGGAGTACTGTC on the coding strand, the reverse complement: SIK1 is on the minus strand); duplicating any 17 consecutive bases within chr21:43,421,716-43,421,737 gives the same sequence; the c. name uses the placement nearest the transcript's 3' end. VCF-style (leftmost placement, unchanged base first): chr21-43421715-T-TGACAGTACTCCACGGCC. GRCh37 (hg19) VCF-style: chr21-44841595-T-TGACAGTACTCCACGGCC.
Other names: short protein forms H141fs.
Identifiers: ClinVar variation 2443637 (VCV002443637.1), dbSNP rs2516967752, ClinGen allele CA2580098762.